The following is an entry in ClinVar:

NM_001267550.2(TTN):c.22732G>C (p.Gly7578Arg)

Gene: TTN (titin; minus strand). Cytogenetic location: 2q31.2.
Variant type: single nucleotide variant.
Coding change: c.22732G>C on transcript NM_001267550.2 (MANE Select); coding-DNA position 22732, G replaced by C.
Protein change: p.Gly7578Arg; replaces glycine 7578 with arginine.
Molecular consequence: missense variant. On other transcripts: intron variant (3).
Genome position (GRCh38, 1-based): chr2:178,721,931, C>G on the plus strand (G>C on the coding strand, the complement: TTN is on the minus strand). VCF-style: chr2-178721931-C-G. GRCh37 (hg19) VCF-style: chr2-179586658-C-G.
Other names: c.21781G>C, p.Gly7261Arg (NM_001256850.1); c.19000G>C, p.Gly6334Arg (NM_133378.4); c.13282+16151G>C (NM_003319.4); c.13858+16151G>C (NM_133437.4); c.13657+16151G>C (NM_133432.3); short protein forms G6334R, G7261R, G7578R.
Identifiers: ClinVar variation 2497892 (VCV002497892.1), dbSNP rs775145999, ClinGen allele CA2000777.
Genomic context (GRCh38, chr2:178,721,931, plus strand): 5'-ACATGTCTTTGCCAACATCATTGGTTGCTTGGCAAGTATATTGACCAGAGTCTCCTTTGC[C>G]TACTTTAAGAATTCTCAAATGAGGAGTGTTTCCCACACATGTGATTGTATAGTTTCCTCC-3'
Protein context (NP_001254479.2, residues 7568-7588): NTPHLRILKV[Gly7578Arg]KGDSGQYTCQ

ClinVar aggregate classification (germline): Uncertain significance (1 of 4 stars; one submission).

Allele frequency attached by ClinVar (database versions not stated): ExAC 0.00002; gnomAD exomes 0.00002.
gnomAD v4.1: 26 of 1,613,514 alleles (0.0016%); highest among the groups gnomAD compares: Non-Finnish European, 0.0022%; no homozygotes.

Submission:

GeneDx
Classification: Uncertain significance. Last evaluated: 2023-04-10. Review status: criteria provided, single submitter. Criteria: GeneDx Variant Classification Process June 2021. Collection method: clinical testing. Allele origin: germline. Affected: yes.
Comment: Not observed at significant frequency in large population cohorts (gnomAD); Missense variant in a gene in which most reported pathogenic variants are truncating/loss of function; Has not been previously published as pathogenic or benign to our knowledge